The following is an entry in ClinVar:

NM_001161403.3(LIMS2):c.516G>T (p.Glu172Asp)

Gene: LIMS2 (LIM zinc finger domain containing 2; minus strand). Cytogenetic location: 2q14.3.
Variant type: single nucleotide variant.
Coding change: c.516G>T on transcript NM_001161403.3 (MANE Select); coding-DNA position 516, G replaced by T.
Protein change: p.Glu172Asp; replaces glutamic acid 172 with aspartic acid.
Molecular consequence: missense variant.
Genome position (GRCh38, 1-based): chr2:127,642,193, C>A on the plus strand (G>T on the coding strand, the complement: LIMS2 is on the minus strand). VCF-style: chr2-127642193-C-A. GRCh37 (hg19) VCF-style: chr2-128399768-C-A.
Other names: c.582G>T, p.Glu194Asp (NM_001136037.4); c.501G>T, p.Glu167Asp (NM_001161404.2); c.60G>T, p.Glu20Asp (NM_001256542.2); c.588G>T, p.Glu196Asp (NM_017980.5); short protein forms E167D, E194D, E172D, E196D, E20D.
Identifiers: ClinVar variation 1438234 (VCV001438234.8), dbSNP rs1377141952, ClinGen allele CA348425495.
Genomic context (GRCh38, chr2:127,642,193, plus strand): 5'-CTTGTCATGGCAGGGCAGGCAGTAGAGCTCACCCTTCAGCTCGCGGGCCTCGGCTGTCAG[C>A]TCCTTCCTGGAAGACAGCGTGCAGCCCCCAGGTGCCACCCCTGCCCTTCTGCAGGGTCAT-3'
Protein context (NP_001154875.1, residues 162-182): DHFNCTHCGK[Glu172Asp]LTAEARELKG

ClinVar aggregate classification (germline): Uncertain significance (1 of 4 stars; one submission).

Conditions:
Autosomal recessive limb-girdle muscular dystrophy type 2W (MDRCMTT). Also called: Muscular dystrophy, limb-girdle, type 2W; Muscular dystrophy, autosomal recessive, with cardiomyopathy and triangular tongue. Identifiers: MedGen C4225192, MONDO:0014788, OMIM 616827.

Allele frequency attached by ClinVar (database versions not stated): gnomAD exomes 0.00001; TOPMed 0.00001; gnomAD 0.00002.
gnomAD v4.1: 11 of 1,555,798 alleles (0.00071%); highest among the groups gnomAD compares: Middle Eastern, 0.017%; no homozygotes.

Submission:

Labcorp Genetics (formerly Invitae), Labcorp
Classification: Uncertain significance for Autosomal recessive limb-girdle muscular dystrophy type 2W. Last evaluated: 2022-06-16. Review status: criteria provided, single submitter. Criteria: Invitae Variant Classification Sherloc (09022015). Collection method: clinical testing. Allele origin: germline.
Comment: In summary, the available evidence is currently insufficient to determine the role of this variant in disease. Therefore, it has been classified as a Variant of Uncertain Significance. Algorithms developed to predict the effect of missense changes on protein structure and function are either unavailable or do not agree on the potential impact of this missense change (SIFT: "Tolerated"; PolyPhen-2: "Possibly Damaging"; Align-GVGD: "Class C0"). This variant has not been reported in the literature in individuals affected with LIMS2-related conditions. The frequency data for this variant in the population databases is considered unreliable, as metrics indicate poor data quality at this position in the gnomAD database. This sequence change replaces glutamic acid, which is acidic and polar, with aspartic acid, which is acidic and polar, at codon 194 of the LIMS2 protein (p.Glu194Asp).